The following is an entry in ClinVar:

NM_000173.7(GP1BA):c.97T>C (p.Cys33Arg)

Gene: GP1BA (glycoprotein Ib platelet subunit alpha; plus strand). Cytogenetic location: 17p13.2.
Variant type: single nucleotide variant.
Coding change: c.97T>C on transcript NM_000173.7 (MANE Select); coding-DNA position 97, T replaced by C.
Protein change: p.Cys33Arg; replaces cysteine 33 with arginine.
Molecular consequence: missense variant.
Genome position (GRCh38, 1-based): chr17:4,932,701, T>C. VCF-style: chr17-4932701-T-C. GRCh37 (hg19) VCF-style: chr17-4835996-T-C.
Other names: p.Cys33Arg; short protein forms C33R.
Identifiers: ClinVar variation 1695379 (VCV001695379.4), dbSNP rs2151107674, ClinGen allele CA397314339.

ClinVar aggregate classification (germline): Pathogenic/Likely pathogenic. Review status: criteria provided, multiple submitters, no conflicts (2 of 4 stars). 3 submissions from 3 submitters: Pathogenic (1); Likely pathogenic (1). 1 of the submissions does not count toward it. Last evaluated 2026-03-05.

Conditions:
Bernard-Soulier syndrome, type A2, autosomal dominant (BSSA2). Also called: Bernard-Soulier syndrome, type A2 (dominant). Identifiers: Orphanet 274, MedGen C3277076, MONDO:0007930, OMIM 153670.
Bernard Soulier syndrome (BSS). Also called: Giant platelet syndrome; Hemorrhagiparous thrombocytic dystrophy; Giant platelet disease; BLEEDING DISORDER, PLATELET-TYPE, 1; GLYCOPROTEIN Ib, PLATELET, DEFICIENCY OF; PLATELET GLYCOPROTEIN Ib DEFICIENCY. Identifiers: Orphanet 274, MedGen C0005129, MeSH D001606, MONDO:0009276, OMIM 231200.

Submissions (3):

Victorian Clinical Genetics Services, Murdoch Childrens Research Institute
Classification: Pathogenic for Bernard-Soulier syndrome, type A2, autosomal dominant. Last evaluated: 2026-03-05. Review status: criteria provided, single submitter. Criteria: ACMG Guidelines, 2015. Collection method: clinical testing. Allele origin: germline. Affected: yes.
Comment: This variant is classified as Pathogenic. Evidence in support of pathogenic classification: Variant is absent from gnomAD (v2, v3 and v4); This variant has moderate previous evidence of pathogenicity in unrelated individuals. This variant has been classified as likely pathogenic by a clinical laboratory in ClinVar. Additionally, this variant has been reported in the literature in heterozygous individuals with Bernard-Soulier syndrome (PMIDs: 34355501, 33732333, 34435350, Provaznikova, D. et al. (2025, June 21-25) [Conference poster abstract].); Other missense variant(s) comparable to the one identified in this case have strong previous evidence for pathogenicity. p.(Cys33Ser) has been classified as likely pathogenic by a clinical laboratory in ClinVar. Additionally, an alternate nucleotide change also resulting in p.(Cys33Ser) has been reported in the literature in a heterozygous individual with macrothrombocytopenia (PMID: 31064749). p.(Cys33Tyr) and p.(Cys33Gly) have also been reported in the literature in heterozygous individuals and segregated in families with macrothrombocytopenia (PMIDs: 34333846, 35055070, Arter, Z.L. et al. (2019, Dec 7-10) [Conference poster abstract]); Variant affects a well-established functional cysteine residue involved in disulphide bonding. Disulphide bonds in this gene are critical for GP1BA function (ClinGen Platelet Disorders Expert Panel Variant Interpretation Guidelines for GP1BA); Missense variant predicted to be damaging by in silico tool(s) or highly conserved with a major amino acid change. Additional information: Variant is predicted to result in a missense amino acid change from Cys to Arg; This variant is heterozygous; This gene is associated with both recessive and dominant disease. Autosomal dominant Bernard-Soulier syndrome, type A2 (MIM#153670) is rare and milder than autosomal recessive Bernard-Soulier syndrome, type A1 (MIM#231200). In addition, majority of the variants implicated in von Willebrand disease, platelet-type (MIM#177820) are located within the beta-hairpin loop (PMIDs: 24934643, 37592722); No published functional evidence has been identified for this variant; Gain of function and loss of function are known mechanisms of disease in this gene. The former is associated with autosomal dominant von Willebrand disease, platelet-type (MIM#177820), whereas the latter is associated with autosomal recessive Bernard-Soulier syndrome, type A1 (MIM#231200) and autosomal dominant Bernard-Soulier syndrome, type A2 (MIM#153670) (ClinGen). In addition, dominant negative is a suggested mechanism for autosomal dominant Bernard-Soulier syndrome, type A2 (MIM#153670) (PMID: 24934643); Inheritance information for this variant is not currently available in this individual.

Mayo Clinic Laboratories, Mayo Clinic
Classification: Likely pathogenic. Last evaluated: 2025-09-19. Review status: criteria provided, single submitter. Criteria: ACMG Guidelines, 2015. Collection method: clinical testing. Allele origin: germline. Observed: 1 variant allele.
Comment: PP1, PP3_moderate, PM1, PM2_supporting, PM5

ISTH-SSC Genomics in Thrombosis and Hemostasis, KU Leuven, Center for Molecular and Vascular Biology
Classification: Uncertain significance for Bernard Soulier syndrome. Review status: no assertion criteria provided. Collection method: research. Allele origin: unknown. Affected: yes. Not counted in ClinVar's aggregate classification.
Comment: Submitted to GoldVariant by Dr Marie-Christine Morel-Kopp from Northern Blood Research Centre, Sydney, Australia

Literature cited by the submitters: PubMed 31064749 (cited by Victorian Clinical Genetics Services, Murdoch Childrens Research Institute); PubMed 37592722 (cited by Victorian Clinical Genetics Services, Murdoch Childrens Research Institute); PubMed 34333846 (cited by Victorian Clinical Genetics Services, Murdoch Childrens Research Institute and Mayo Clinic Laboratories, Mayo Clinic); PubMed 24934643 (cited by Victorian Clinical Genetics Services, Murdoch Childrens Research Institute); PubMed 33732333 (cited by Victorian Clinical Genetics Services, Murdoch Childrens Research Institute and Mayo Clinic Laboratories, Mayo Clinic); PubMed 34435350 (cited by Victorian Clinical Genetics Services, Murdoch Childrens Research Institute and Mayo Clinic Laboratories, Mayo Clinic); PubMed 34355501 (cited by Victorian Clinical Genetics Services, Murdoch Childrens Research Institute); PubMed 35055070 (cited by Victorian Clinical Genetics Services, Murdoch Childrens Research Institute and Mayo Clinic Laboratories, Mayo Clinic).